The following is an entry in ClinVar:

ClinVar aggregate classification (germline): Uncertain significance (1 of 4 stars; one submission).

Submission:

Labcorp Genetics (formerly Invitae), Labcorp
Classification: Uncertain significance. Last evaluated: 2022-02-25. Review status: criteria provided, single submitter. Criteria: Invitae Variant Classification Sherloc (09022015). Collection method: clinical testing. Allele origin: germline.
Comment: In summary, the available evidence is currently insufficient to determine the role of this variant in disease. Therefore, it has been classified as a Variant of Uncertain Significance. Algorithms developed to predict the effect of missense changes on protein structure and function are either unavailable or do not agree on the potential impact of this missense change (SIFT: "Deleterious"; PolyPhen-2: "Not Available"; Align-GVGD: "Class C0"). This variant has not been reported in the literature in individuals affected with PCLO-related conditions. This variant is not present in population databases (gnomAD no frequency). This sequence change replaces leucine, which is neutral and non-polar, with histidine, which is basic and polar, at codon 1105 of the PCLO protein (p.Leu1105His).

NM_033026.6(PCLO):c.3314T>A (p.Leu1105His)

Gene: PCLO (piccolo presynaptic cytomatrix protein; minus strand). Cytogenetic location: 7q21.11.
Variant type: single nucleotide variant.
Coding change: c.3314T>A on transcript NM_033026.6 (MANE Select); coding-DNA position 3314, T replaced by A.
Protein change: p.Leu1105His; replaces leucine 1105 with histidine.
Molecular consequence: missense variant.
Genome position (GRCh38, 1-based): chr7:82,966,474, A>T on the plus strand (T>A on the coding strand, the complement: PCLO is on the minus strand). VCF-style: chr7-82966474-A-T. GRCh37 (hg19) VCF-style: chr7-82595790-A-T.
Other names: c.3314T>A, p.Leu1105His (NM_014510.3); short protein forms L1105H.
Identifiers: ClinVar variation 2103302 (VCV002103302.4), dbSNP rs2484205842, ClinGen allele CA367934057.